The following is an entry in ClinVar:

NM_032119.4(ADGRV1):c.3163G>C (p.Val1055Leu)

Gene: ADGRV1 (adhesion G protein-coupled receptor V1; plus strand). Cytogenetic location: 5q14.3.
Variant type: single nucleotide variant.
Coding change: c.3163G>C on transcript NM_032119.4 (MANE Select); coding-DNA position 3163, G replaced by C.
Protein change: p.Val1055Leu; replaces valine 1055 with leucine.
Molecular consequence: missense variant. On other transcripts: non-coding transcript variant (1).
Genome position (GRCh38, 1-based): chr5:90,647,638, G>C. VCF-style: chr5-90647638-G-C. GRCh37 (hg19) VCF-style: chr5-89943455-G-C.
Other names: short protein forms V1055L.
Identifiers: ClinVar variation 1493507 (VCV001493507.9), dbSNP rs2149446795, ClinGen allele CA360393574.

ClinVar aggregate classification (germline): Uncertain significance. Review status: criteria provided, multiple submitters, no conflicts (2 of 4 stars). 2 submissions from 2 submitters: Uncertain significance (2). Last evaluated 2021-02-06.

Submissions (2):

Labcorp Genetics (formerly Invitae), Labcorp
Classification: Uncertain significance. Last evaluated: 2021-02-06. Review status: criteria provided, single submitter. Criteria: Invitae Variant Classification Sherloc (09022015). Collection method: clinical testing. Allele origin: germline.
Comment: This variant is not present in population databases (ExAC no frequency). This sequence change replaces valine with leucine at codon 1055 of the ADGRV1 protein (p.Val1055Leu). The valine residue is weakly conserved and there is a small physicochemical difference between valine and leucine. This variant has not been reported in the literature in individuals with ADGRV1-related conditions. In summary, the available evidence is currently insufficient to determine the role of this variant in disease. Therefore, it has been classified as a Variant of Uncertain Significance. Algorithms developed to predict the effect of missense changes on protein structure and function are either unavailable or do not agree on the potential impact of this missense change (SIFT: "Tolerated"; PolyPhen-2: "Possibly Damaging"; Align-GVGD: "Class C0").

Blueprint Genetics
Classification: Uncertain significance. Last evaluated: 2019-07-25. Review status: criteria provided, single submitter. Criteria: ACMG Guidelines, 2015. Collection method: clinical testing. Allele origin: germline.